The following is an entry in ClinVar:

ClinVar aggregate classification (germline): Uncertain significance (1 of 4 stars; one submission).

gnomAD v4.1: 1 of 1,614,230 alleles (0.000062%); highest among the groups gnomAD compares: African/African-American, 0.0013%; no homozygotes.

Submission:

GeneDx
Classification: Uncertain significance. Last evaluated: 2023-11-29. Review status: criteria provided, single submitter. Criteria: GeneDx Variant Classification Process June 2021. Collection method: clinical testing. Allele origin: germline. Affected: yes.
Comment: Not observed at significant frequency in large population cohorts (gnomAD); In silico analysis supports that this missense variant does not alter protein structure/function; Has not been previously published as pathogenic or benign to our knowledge

NM_006565.4(CTCF):c.610A>T (p.Thr204Ser)

Gene: CTCF (CCCTC-binding factor; plus strand). Cytogenetic location: 16q22.1.
Variant type: single nucleotide variant.
Coding change: c.610A>T on transcript NM_006565.4 (MANE Select); coding-DNA position 610, A replaced by T.
Protein change: p.Thr204Ser; replaces threonine 204 with serine.
Molecular consequence: missense variant. On other transcripts: intron variant (1).
Genome position (GRCh38, 1-based): chr16:67,611,442, A>T. VCF-style: chr16-67611442-A-T. GRCh37 (hg19) VCF-style: chr16-67645345-A-T.
Other names: c.610A>T, p.Thr204Ser (NM_001363916.2); c.-32-5303A>T (NM_001191022.2); short protein forms T204S.
Identifiers: ClinVar variation 3364983 (VCV003364983.1).